The following is an entry in ClinVar:

ClinVar aggregate classification (germline): Pathogenic/Likely pathogenic. Review status: criteria provided, multiple submitters, no conflicts (2 of 4 stars). 5 submissions from 5 submitters: Pathogenic (3); Likely pathogenic (1). 1 of the submissions does not count toward it. Last evaluated 2024-10-31.

Conditions:
Cholestasis, progressive familial intrahepatic, 12 (PFIC12). Also called: CHOLESTASIS, ISOLATED LOW-GGT. Identifiers: MedGen C5774311, MONDO:0031040, OMIM 620010.
Keratoderma-ichthyosis-deafness syndrome, autosomal recessive (KDIDAR). Identifiers: MedGen C5774200, MONDO:0859278, OMIM 620009.
Arthrogryposis, renal dysfunction, and cholestasis 1 (ARCS1). Identifiers: Orphanet 2697, MedGen C1859722, MONDO:0008822, OMIM 208085.
VPS33B-related disorder. Also called: VPS33B-related condition.
Inborn genetic diseases. Identifiers: MedGen C0950123, MeSH D030342.

Allele frequency attached by ClinVar (database versions not stated): gnomAD 0.00001; gnomAD exomes 0.00001; TOPMed 0.00001; ExAC 0.00002; ESP Exome Variant Server 0.00008.

Submissions (5):

PreventionGenetics, part of Exact Sciences
Classification: Pathogenic for VPS33B-related condition. Last evaluated: 2024-10-31. Review status: criteria provided, single submitter. Criteria: ACMG Guidelines, 2015. Collection method: clinical testing. Allele origin: germline.
Comment: The VPS33B c.239+5G>A variant is predicted to interfere with splicing. This variant was reported in the compound heterozygous state in individuals with arthrogryposis, renal dysfunction and cholestasis (Seo et al. 2015. PubMed ID: 24917129; Lee et al. 2019. PubMed ID: 31777725). RNA analysis by RT-PCR indicates the c.239+5G>A variant results in skipping of exon 3 and a premature protein termination (p.Gln60Ilefs*22) (Seo et al. 2015. PubMed ID: 24917129). This variant is reported in 0.010% of alleles in individuals of East Asian descent in gnomAD. This variant is interpreted as pathogenic.

Ambry Genetics
Classification: Likely pathogenic for Inborn genetic diseases. Last evaluated: 2024-10-25. Review status: criteria provided, single submitter. Criteria: Ambry Variant Classification Scheme 2023. Collection method: clinical testing. Allele origin: germline.
Comment: The c.239+5G>A intronic alteration results from a G to A substitution 5 nucleotides after coding exon 3 of the VPS33B gene. Based on data from gnomAD, the A allele has an overall frequency of 0.001% (4/282864) total alleles studied. The highest observed frequency was 0.01% (2/19952) of East Asian alleles. This variant has been identified in conjunction with other VPS33B variants in individuals with cholestasis, mild arthrogryposis, ichthyosis, hip dislocation, fractures, renal tubulopathy, coarse facies, and/or hypogranular platelets; in at least one instance, the variants were identified in trans (Seo, 2015; Lee, 2019). This nucleotide position is highly conserved in available vertebrate species. In silico splice site analysis predicts that this alteration will weaken the native splice donor site. Based on the available evidence, this alteration is classified as likely pathogenic.

Fulgent Genetics
Classification: Pathogenic for Arthrogryposis, renal dysfunction, and cholestasis 1; Keratoderma-ichthyosis-deafness syndrome, autosomal recessive; Cholestasis, progressive familial intrahepatic, 12. Last evaluated: 2024-04-04. Review status: criteria provided, single submitter. Criteria: ACMG Guidelines, 2015. Collection method: clinical testing. Allele origin: germline.

Eurofins Ntd Llc (ga)
Classification: Pathogenic. Last evaluated: 2017-02-06. Review status: criteria provided, single submitter. Criteria: EGL Classification Definitions 2015. Collection method: clinical testing. Allele origin: germline. Observed: 1 variant allele, 1 heterozygote.

Molecular Diagnostics Laboratory, Seoul National University Hospital
Classification: Likely pathogenic for Arthrogryposis, renal dysfunction, and cholestasis 1. Review status: no assertion criteria provided. Collection method: clinical testing. Allele origin: inherited. Affected: yes. Not counted in ClinVar's aggregate classification.
Comment: This likely pathogenic variant (NM_018668.5:c.239+5G>A) was found in compound heterozygosity with the likely pathogenic variant NM_018668.5:c.621G>A.

Literature cited by the submitters: PubMed 24917129 (cited by Ambry Genetics); PubMed 31777725 (cited by Ambry Genetics).

NM_018668.5(VPS33B):c.239+5G>A

Gene: VPS33B (VPS33B late endosome and lysosome associated; minus strand). Cytogenetic location: 15q26.1.
Variant type: single nucleotide variant.
Coding change: c.239+5G>A on transcript NM_018668.5 (MANE Select); 5 bases into the intron after coding-DNA position 239, G replaced by A.
Molecular consequence: intron variant.
Genome position (GRCh38, 1-based): chr15:91,016,958, C>T on the plus strand (G>A on the coding strand, the complement: VPS33B is on the minus strand). VCF-style: chr15-91016958-C-T. GRCh37 (hg19) VCF-style: chr15-91560188-C-T.
Other names: c.158+5G>A (NM_001289148.1); c.-35+847G>A (NM_001289149.1); c.239+5G>A (NM_018668.4, NM_018668.3).
Identifiers: ClinVar variation 500160 (VCV000500160.10), dbSNP rs372769808, ClinGen allele CA7745168.